The following is an entry in ClinVar:

NM_144596.4(TTC8):c.433G>A (p.Ala145Thr)

Gene: TTC8 (tetratricopeptide repeat domain 8; plus strand). Cytogenetic location: 14q31.3.
Variant type: single nucleotide variant.
Coding change: c.433G>A on transcript NM_144596.4 (MANE Select); coding-DNA position 433, G replaced by A.
Protein change: p.Ala145Thr; replaces alanine 145 with threonine.
Molecular consequence: missense variant. On other transcripts: 5 prime UTR variant (2), non-coding transcript variant (1).
Genome position (GRCh38, 1-based): chr14:88,841,140, G>A. VCF-style: chr14-88841140-G-A. GRCh37 (hg19) VCF-style: chr14-89307484-G-A.
Other names: c.403G>A, p.Ala135Thr (NM_001288781.1, NM_001366535.2, NM_001366536.2 and 2 more transcripts); c.-160G>A (NM_001288782.1); c.-255G>A (NM_001288783.1); c.433G>A (NM_144596.3); short protein forms A135T, A145T.
Identifiers: ClinVar variation 636206 (VCV000636206.12), dbSNP rs540856754, ClinGen allele CA7302467.

ClinVar aggregate classification (germline): Uncertain significance. Review status: criteria provided, multiple submitters, no conflicts (2 of 4 stars). 7 submissions from 7 submitters: Uncertain significance (5). 2 of the submissions do not count toward it. Last evaluated 2024-07-31.

Conditions:
Retinitis pigmentosa 51 (RP51). Identifiers: Orphanet 791, MedGen C3150715, MONDO:0013274, OMIM 613464.
Bardet-Biedl syndrome 8 (BBS8). Identifiers: Orphanet 110, MedGen C1859566, MONDO:0014436, OMIM 615985.
TTC8-related disorder. Also called: TTC8-related condition.
Retinitis pigmentosa (RP). Identifiers: Orphanet 791, MedGen C0035334, MeSH D012174, MONDO:0019200, OMIM 268000. Inheritance: Autosomal dominant, autosomal recessive and X linked inheritance.
Retinal dystrophy. Also called: Inherited retinal dystrophy. Identifiers: Orphanet 71862, MedGen C0854723, MeSH D058499, MONDO:0019118, HP:0000556.
Bardet-Biedl syndrome (BBS). Identifiers: Orphanet 110, MedGen C0752166, MONDO:0015229.

Allele frequency attached by ClinVar (database versions not stated): gnomAD 0.00010; 1000 Genomes Project 0.00020; TOPMed 0.00022; 1000 Genomes Project 30x 0.00031.
gnomAD v4.1: 88 of 1,614,062 alleles (0.0055%); highest among the groups gnomAD compares: African/African-American, 0.047%; no homozygotes.

Submissions (7):

Women's Health and Genetics/Laboratory Corporation of America, LabCorp
Classification: Uncertain significance. Last evaluated: 2024-07-31. Review status: criteria provided, single submitter. Criteria: LabCorp Variant Classification Summary - May 2015. Collection method: clinical testing. Allele origin: germline.
Comment: Variant summary: TTC8 c.403G>A (p.Ala135Thr) results in a non-conservative amino acid change in the encoded protein sequence. Four of five in-silico tools predict a damaging effect of the variant on protein function. The variant allele was found at a frequency of 8e-05 in 250928 control chromosomes. This frequency is not significantly higher than estimated for a pathogenic variant in TTC8 causing Bardet-Biedl Syndrome, allowing no conclusion about variant significance. c.403G>A has been reported in the literature in at least one compound heterozygous individual affected with retinitis pigmentosa (Jespersgaard_2019). These report(s) do not provide unequivocal conclusions about association of the variant with Bardet-Biedl Syndrome. To our knowledge, no experimental evidence demonstrating an impact on protein function has been reported. The following publication has been ascertained in the context of this evaluation (PMID: 30718709). ClinVar contains an entry for this variant (Variation ID: 636206). Based on the evidence outlined above, the variant was classified as uncertain significance.

Blueprint Genetics
Classification: Uncertain significance. Last evaluated: 2024-05-06. Review status: criteria provided, single submitter. Criteria: ACMG Guidelines, 2015. Collection method: clinical testing. Allele origin: germline.

Dept Of Ophthalmology, Nagoya University
Classification: Uncertain significance for Retinal dystrophy. Last evaluated: 2023-10-01. Review status: criteria provided, single submitter. Criteria: Submitter's publication. Collection method: research. Allele origin: germline. Affected: yes.

Labcorp Genetics (formerly Invitae), Labcorp
Classification: Uncertain significance for Bardet-Biedl syndrome. Last evaluated: 2022-10-04. Review status: criteria provided, single submitter. Criteria: Invitae Variant Classification Sherloc (09022015). Collection method: clinical testing. Allele origin: germline.
Comment: This sequence change replaces alanine, which is neutral and non-polar, with threonine, which is neutral and polar, at codon 135 of the TTC8 protein (p.Ala135Thr). This variant is present in population databases (rs540856754, gnomAD 0.05%). This missense change has been observed in individual(s) with retinitis pigmentosa (PMID: 30718709). ClinVar contains an entry for this variant (Variation ID: 636206). Advanced modeling of protein sequence and biophysical properties (such as structural, functional, and spatial information, amino acid conservation, physicochemical variation, residue mobility, and thermodynamic stability) performed at Invitae indicates that this missense variant is not expected to disrupt TTC8 protein function. In summary, the available evidence is currently insufficient to determine the role of this variant in disease. Therefore, it has been classified as a Variant of Uncertain Significance.

Fulgent Genetics
Classification: Uncertain significance for Retinitis pigmentosa 51; Bardet-Biedl syndrome 8. Last evaluated: 2022-04-16. Review status: criteria provided, single submitter. Criteria: ACMG Guidelines, 2015. Collection method: clinical testing. Allele origin: unknown.

PreventionGenetics, part of Exact Sciences
Classification: Uncertain significance for TTC8-related condition. Last evaluated: 2024-05-14. Review status: no assertion criteria provided. Collection method: clinical testing. Allele origin: germline. Not counted in ClinVar's aggregate classification.
Comment: The TTC8 c.433G>A variant is predicted to result in the amino acid substitution p.Ala145Thr. This variant, also referred to as c.403G>A (p.Ala135Thr), has been reported with a second TTC8 variant and a single variant in the ARL6 gene in a patient with retinitis pigmentosa (Patient ID 470 in Table S4, Jespersgaard et al. 2019. PubMed ID: 30718709). This variant is reported in 0.044% of alleles in individuals of African descent in gnomAD. At this time, the clinical significance of this variant is uncertain due to the absence of conclusive functional and genetic evidence.

Department of Clinical Genetics, Copenhagen University Hospital, Rigshospitalet
Classification: Uncertain significance for Retinitis pigmentosa. Last evaluated: 2018-04-01. Review status: no assertion criteria provided. Collection method: research. Allele origin: unknown. Affected: yes. Study: VeluxRD. Not counted in ClinVar's aggregate classification.

Literature cited by the submitters: PubMed 30718709 (cited by 3 submitters).